The following is an entry in ClinVar:

NM_207391.3(RGS9BP):c.145G>A (p.Glu49Lys)

Gene: RGS9BP (regulator of G protein signaling 9 binding protein; plus strand). Cytogenetic location: 19q13.11.
Variant type: single nucleotide variant.
Coding change: c.145G>A on transcript NM_207391.3 (MANE Select); coding-DNA position 145, G replaced by A.
Protein change: p.Glu49Lys; replaces glutamic acid 49 with lysine.
Molecular consequence: missense variant.
Genome position (GRCh38, 1-based): chr19:32,676,408, G>A. VCF-style: chr19-32676408-G-A. GRCh37 (hg19) VCF-style: chr19-33167314-G-A.
Other names: short protein forms E49K.
Identifiers: ClinVar variation 1902447 (VCV001902447.5), dbSNP rs1321423167, ClinGen allele CA405185570.
Genomic context (GRCh38, chr19:32,676,408, plus strand): 5'-GGCTCGGCGGACTCGCAGAACCTGCGGCAGGAGCTGCAAAAGACGCGCCAGAAGGCGCAG[G>A]AGCTGGCGGTGTCCACCTGCGCCCGGCTGACTGCTGTGCTGCGCGACCGGGGCCTGGCCG-3'
Protein context (NP_997274.2, residues 39-59): ELQKTRQKAQ[Glu49Lys]LAVSTCARLT

ClinVar aggregate classification (germline): Uncertain significance (1 of 4 stars; one submission).

Allele frequency attached by ClinVar (database versions not stated): gnomAD exomes below 0.00001.
gnomAD v4.1: 1 of 1,605,942 alleles (0.000062%); highest among the groups gnomAD compares: Non-Finnish European, 0.000085%; no homozygotes.

Submission:

Labcorp Genetics (formerly Invitae), Labcorp
Classification: Uncertain significance. Last evaluated: 2023-10-03. Review status: criteria provided, single submitter. Criteria: Invitae Variant Classification Sherloc (09022015). Collection method: clinical testing. Allele origin: germline.
Comment: This sequence change replaces glutamic acid, which is acidic and polar, with lysine, which is basic and polar, at codon 49 of the RGS9BP protein (p.Glu49Lys). This variant is present in population databases (no rsID available, gnomAD 0.001%). This variant has not been reported in the literature in individuals affected with RGS9BP-related conditions. ClinVar contains an entry for this variant (Variation ID: 1902447). An algorithm developed to predict the effect of missense changes on protein structure and function (PolyPhen-2) suggests that this variant is likely to be disruptive. In summary, the available evidence is currently insufficient to determine the role of this variant in disease. Therefore, it has been classified as a Variant of Uncertain Significance.